The following is an entry in ClinVar:

NM_198428.3(BBS9):c.158G>T (p.Ser53Ile)

Gene: BBS9 (Bardet-Biedl syndrome 9; plus strand). Cytogenetic location: 7p14.3.
Variant type: single nucleotide variant.
Coding change: c.158G>T on transcript NM_198428.3 (MANE Select); coding-DNA position 158, G replaced by T.
Protein change: p.Ser53Ile; replaces serine 53 with isoleucine.
Molecular consequence: missense variant. On other transcripts: 5 prime UTR variant (4), non-coding transcript variant (3), intron variant (2).
Genome position (GRCh38, 1-based): chr7:33,152,746, G>T. VCF-style: chr7-33152746-G-T. GRCh37 (hg19) VCF-style: chr7-33192358-G-T.
Other names: c.-120G>T (NM_001348039.3, NM_001348038.3); c.158G>T, p.Ser53Ile (NM_001348040.3, NM_001348041.4, NM_001348043.3 and 5 more transcripts); c.23G>T, p.Ser8Ile (NM_001348042.3); c.-144G>T (NM_001348045.3, NM_001348037.3); c.-39+22705G>T (NM_001348046.3, NM_001348044.3); short protein forms S53I, S8I.
Identifiers: ClinVar variation 1309499 (VCV001309499.3), dbSNP rs2128108169, ClinGen allele CA367190297.

ClinVar aggregate classification (germline): Uncertain significance. Review status: criteria provided, multiple submitters, no conflicts (2 of 4 stars). 2 submissions from 2 submitters: Uncertain significance (2). Last evaluated 2025-12-09.

Conditions:
BBS9-related disorder. Also called: BBS9-related condition.

Allele frequency attached by ClinVar (database versions not stated): gnomAD exomes 0.00001.
gnomAD v4.1: 10 of 1,612,426 alleles (0.00062%); highest among the groups gnomAD compares: Non-Finnish European, 0.00076%; no homozygotes.

Submissions (2):

PreventionGenetics, part of Exact Sciences
Classification: Uncertain significance for BBS9-related condition. Last evaluated: 2025-12-09. Review status: criteria provided, single submitter. Criteria: ACMG Guidelines, 2015. Collection method: clinical testing. Allele origin: germline.
Comment: The BBS9 c.158G>T variant is predicted to result in the amino acid substitution p.Ser53Ile. To our knowledge, this variant has not been reported in the literature or in a large population database (gnomAD), indicating this variant is rare. At this time, the clinical significance of this variant is uncertain due to the absence of conclusive functional and genetic evidence.

GeneDx
Classification: Uncertain significance. Last evaluated: 2019-10-31. Review status: criteria provided, single submitter. Criteria: GeneDx Variant Classification Process June 2021. Collection method: clinical testing. Allele origin: germline. Affected: yes.
Comment: Not observed in large population cohorts (Lek et al., 2016); In silico analysis, which includes protein predictors and evolutionary conservation, supports a deleterious effect; Has not been previously published as pathogenic or benign to our knowledge